The following is an entry in ClinVar:

ClinVar aggregate classification (germline): Uncertain significance (1 of 4 stars; one submission).

Conditions:
KMT2D-related disorder. Also called: KMT2D-Related Disorders.

Submission:

PreventionGenetics, part of Exact Sciences
Classification: Uncertain significance for KMT2D-related condition. Last evaluated: 2026-05-26. Review status: criteria provided, single submitter. Criteria: ACMG Guidelines, 2015. Collection method: clinical testing. Allele origin: germline.
Comment: The KMT2D c.7889A>G variant is predicted to result in the amino acid substitution p.His2630Arg. To our knowledge, this variant has not been reported in the literature. This variant is reported in 0.0056% of alleles in individuals of East Asian descent in gnomAD. At this time, the clinical significance of this variant is uncertain due to the absence of conclusive functional and genetic evidence.

NM_003482.4(KMT2D):c.7889A>G (p.His2630Arg)

Gene: KMT2D (lysine methyltransferase 2D; minus strand). Cytogenetic location: 12q13.12.
Variant type: single nucleotide variant.
Coding change: c.7889A>G on transcript NM_003482.4 (MANE Select); coding-DNA position 7889, A replaced by G.
Protein change: p.His2630Arg; replaces histidine 2630 with arginine.
Molecular consequence: missense variant.
Genome position (GRCh38, 1-based): chr12:49,039,881, T>C on the plus strand (A>G on the coding strand, the complement: KMT2D is on the minus strand). VCF-style: chr12-49039881-T-C. GRCh37 (hg19) VCF-style: chr12-49433664-T-C.
Other names: short protein forms H2630R.
Identifiers: ClinVar variation 4986032 (VCV004986032.1).